The following is an entry in ClinVar:

NM_173628.4(DNAH17):c.7959C>T (p.Val2653=)

Gene: DNAH17 (dynein axonemal heavy chain 17; minus strand). Cytogenetic location: 17q25.3.
Variant type: single nucleotide variant.
Coding change: c.7959C>T on transcript NM_173628.4 (MANE Select); coding-DNA position 7959, C replaced by T.
Protein change: p.Val2653=; no amino-acid change (valine 2653 retained).
Molecular consequence: synonymous variant.
Genome position (GRCh38, 1-based): chr17:78,479,058, G>A on the plus strand (C>T on the coding strand, the complement: DNAH17 is on the minus strand). VCF-style: chr17-78479058-G-A. GRCh37 (hg19) VCF-style: chr17-76475140-G-A.
Identifiers: ClinVar variation 1233737 (VCV001233737.6), dbSNP rs61199521, ClinGen allele CA8802063.

ClinVar aggregate classification (germline): Benign. Review status: criteria provided, multiple submitters, no conflicts (2 of 4 stars). 3 submissions from 3 submitters: Benign (2). 1 of the submissions does not count toward it. Last evaluated 2021-05-05.

Conditions:
DNAH17-related disorder. Also called: DNAH17-related condition.

Allele frequency attached by ClinVar (database versions not stated): gnomAD exomes 0.00547; ExAC 0.00650; ESP Exome Variant Server 0.01992; gnomAD 0.02035 and 0.02191; TOPMed 0.02285; 1000 Genomes Project 0.02436; 1000 Genomes Project 30x 0.02701.
gnomAD v4.1: 6,079 of 1,613,988 alleles (0.38%); highest among the groups gnomAD compares: African/African-American, 6.9%; 186 homozygotes.

Submissions (3):

GeneDx
Classification: Benign. Last evaluated: 2021-05-05. Review status: criteria provided, single submitter. Criteria: GeneDx Variant Classification Process June 2021. Collection method: clinical testing. Allele origin: germline. Affected: yes.

Breakthrough Genomics
Classification: Benign. Review status: criteria provided, single submitter. Criteria: ACMG Guidelines, 2015. Collection method: not provided. Allele origin: germline. Inheritance: Autosomal recessive inheritance. Affected: yes.

PreventionGenetics, part of Exact Sciences
Classification: Benign for DNAH17-related condition. Last evaluated: 2019-05-24. Review status: no assertion criteria provided. Collection method: clinical testing. Allele origin: germline. Not counted in ClinVar's aggregate classification.
Comment: This variant is classified as benign based on ACMG/AMP sequence variant interpretation guidelines (Richards et al. 2015 PMID: 25741868, with internal and published modifications).